The following is an entry in ClinVar:

NM_001440.4(EXTL3):c.1084T>C (p.Ser362Pro)

Gene: EXTL3 (exostosin like glycosyltransferase 3; plus strand). Cytogenetic location: 8p21.1.
Variant type: single nucleotide variant.
Coding change: c.1084T>C on transcript NM_001440.4 (MANE Select); coding-DNA position 1084, T replaced by C.
Protein change: p.Ser362Pro; replaces serine 362 with proline.
Molecular consequence: missense variant.
Genome position (GRCh38, 1-based): chr8:28,717,143, T>C. VCF-style: chr8-28717143-T-C. GRCh37 (hg19) VCF-style: chr8-28574660-T-C.
Other names: short protein forms S362P.
Identifiers: ClinVar variation 1362481 (VCV001362481.8), dbSNP rs754905066, ClinGen allele CA4696133.

ClinVar aggregate classification (germline): Uncertain significance (1 of 4 stars; one submission).

Allele frequency attached by ClinVar (database versions not stated): gnomAD exomes below 0.00001; TOPMed below 0.00001; ExAC 0.00001.
gnomAD v4.1: 1 of 1,614,200 alleles (0.000062%); highest among the groups gnomAD compares: Non-Finnish European, 0.000085%; no homozygotes.

Submission:

Labcorp Genetics (formerly Invitae), Labcorp
Classification: Uncertain significance. Last evaluated: 2022-02-05. Review status: criteria provided, single submitter. Criteria: Invitae Variant Classification Sherloc (09022015). Collection method: clinical testing. Allele origin: germline.
Comment: In summary, the available evidence is currently insufficient to determine the role of this variant in disease. Therefore, it has been classified as a Variant of Uncertain Significance. Algorithms developed to predict the effect of missense changes on protein structure and function are either unavailable or do not agree on the potential impact of this missense change (SIFT: "Deleterious"; PolyPhen-2: "Possibly Damaging"; Align-GVGD: "Class C0"). This variant has not been reported in the literature in individuals affected with EXTL3-related conditions. This variant is present in population databases (rs754905066, gnomAD 0.0009%). This sequence change replaces serine, which is neutral and polar, with proline, which is neutral and non-polar, at codon 362 of the EXTL3 protein (p.Ser362Pro).